The following is an entry in ClinVar:

NM_000217.3(KCNA1):c.250C>G (p.Arg84Gly)

Gene: KCNA1 (potassium voltage-gated channel subfamily A member 1; plus strand). Cytogenetic location: 12p13.32.
Variant type: single nucleotide variant.
Coding change: c.250C>G on transcript NM_000217.3 (MANE Select); coding-DNA position 250, C replaced by G.
Protein change: p.Arg84Gly; replaces arginine 84 with glycine.
Molecular consequence: missense variant.
Genome position (GRCh38, 1-based): chr12:4,911,628, C>G. VCF-style: chr12-4911628-C-G. GRCh37 (hg19) VCF-style: chr12-5020794-C-G.
Other names: short protein forms R84G.
Identifiers: ClinVar variation 2096473 (VCV002096473.4), dbSNP rs1007593832, ClinGen allele CA383454136.

ClinVar aggregate classification (germline): Uncertain significance (1 of 4 stars; one submission).

Conditions:
Episodic ataxia type 1 (EA1). Also called: Episodic ataxia/myokymia syndrome; ATAXIA, EPISODIC, WITH MYOKYMIA; MYOKYMIA WITH PERIODIC ATAXIA; PAROXYSMAL ATAXIA WITH NEUROMYOTONIA, HEREDITARY. Identifiers: Orphanet 37612, Orphanet 972, MedGen C1719788, MONDO:0008047, OMIM 160120.

Allele frequency attached by ClinVar (database versions not stated): gnomAD exomes below 0.00001.

Submission:

Labcorp Genetics (formerly Invitae), Labcorp
Classification: Uncertain significance for Episodic ataxia type 1. Last evaluated: 2024-06-07. Review status: criteria provided, single submitter. Criteria: Invitae Variant Classification Sherloc (09022015). Collection method: clinical testing. Allele origin: germline.
Comment: This sequence change replaces arginine, which is basic and polar, with glycine, which is neutral and non-polar, at codon 84 of the KCNA1 protein (p.Arg84Gly). This variant is present in population databases (no rsID available, gnomAD 0.01%). This variant has not been reported in the literature in individuals affected with KCNA1-related conditions. ClinVar contains an entry for this variant (Variation ID: 2096473). Advanced modeling of protein sequence and biophysical properties (such as structural, functional, and spatial information, amino acid conservation, physicochemical variation, residue mobility, and thermodynamic stability) performed at Invitae indicates that this missense variant is expected to disrupt KCNA1 protein function with a positive predictive value of 80%. In summary, the available evidence is currently insufficient to determine the role of this variant in disease. Therefore, it has been classified as a Variant of Uncertain Significance.